The following is an entry in ClinVar:

ClinVar aggregate classification (germline): Uncertain significance. Review status: criteria provided, multiple submitters, no conflicts (2 of 4 stars). 2 submissions from 2 submitters: Uncertain significance (2). Last evaluated 2024-10-11.

Conditions:
Erythrocytosis, familial, 3 (ECYT3). Identifiers: Orphanet 247511, MedGen C1853286, MONDO:0012353, OMIM 609820.

Allele frequency attached by ClinVar (database versions not stated): gnomAD exomes below 0.00001.
gnomAD v4.1: 3 of 1,614,176 alleles (0.00019%); highest among the groups gnomAD compares: South Asian, 0.0011%; no homozygotes.

Submissions (2):

Ambry Genetics
Classification: Uncertain significance. Last evaluated: 2024-10-11. Review status: criteria provided, single submitter. Criteria: Ambry Variant Classification Scheme 2023. Collection method: clinical testing. Allele origin: germline.
Comment: The p.M273V variant (also known as c.817A>G), located in coding exon 1 of the EGLN1 gene, results from an A to G substitution at nucleotide position 817. The methionine at codon 273 is replaced by valine, an amino acid with highly similar properties. This amino acid position is highly conserved in available vertebrate species. In addition, the in silico prediction for this alteration is inconclusive. Since supporting evidence is limited at this time, the clinical significance of this alteration remains unclear.

Labcorp Genetics (formerly Invitae), Labcorp
Classification: Uncertain significance for Erythrocytosis, familial, 3. Last evaluated: 2023-10-22. Review status: criteria provided, single submitter. Criteria: Invitae Variant Classification Sherloc (09022015). Collection method: clinical testing. Allele origin: germline.
Comment: This sequence change replaces methionine, which is neutral and non-polar, with valine, which is neutral and non-polar, at codon 273 of the EGLN1 protein (p.Met273Val). This variant is present in population databases (no rsID available, gnomAD 0.004%). This variant has not been reported in the literature in individuals affected with EGLN1-related conditions. ClinVar contains an entry for this variant (Variation ID: 860638). An algorithm developed to predict the effect of missense changes on protein structure and function (PolyPhen-2) suggests that this variant is likely to be tolerated. In summary, the available evidence is currently insufficient to determine the role of this variant in disease. Therefore, it has been classified as a Variant of Uncertain Significance.

NM_022051.3(EGLN1):c.817A>G (p.Met273Val)

Genes: EGLN1 (egl-9 family hypoxia inducible factor 1; minus strand), LOC129932769 (ATAC-STARR-seq lymphoblastoid active region 2730; plus strand). Cytogenetic location: 1q42.2.
Variant type: single nucleotide variant.
Coding change: c.817A>G on transcript NM_022051.3 (MANE Select); coding-DNA position 817, A replaced by G.
Protein change: p.Met273Val; replaces methionine 273 with valine.
Molecular consequence: missense variant.
Genome position (GRCh38, 1-based): chr1:231,421,072, T>C on the plus strand (A>G on the coding strand, the complement: EGLN1 is on the minus strand). VCF-style: chr1-231421072-T-C. GRCh37 (hg19) VCF-style: chr1-231556818-T-C.
Other names: c.817A>G, p.Met273Val (NM_001377260.1, NM_001377261.1); short protein forms M273V.
Identifiers: ClinVar variation 860638 (VCV000860638.10), dbSNP rs1266390455, ClinGen allele CA345235069.